The following is an entry in ClinVar:

ClinVar aggregate classification (germline): Uncertain significance. Review status: criteria provided, multiple submitters, no conflicts (2 of 4 stars). 3 submissions from 3 submitters: Uncertain significance (2). 1 of the submissions does not count toward it. Last evaluated 2024-10-22.

Conditions:
POLG-related disorder. Also called: POLG-Related Spectrum Disorders; POLG-related condition; POLG-Related Disorders. Identifiers: MedGen C4763519.
Progressive sclerosing poliodystrophy (MTDPS4A). Also called: Alpers Syndrome; ALPERS DIFFUSE DEGENERATION OF CEREBRAL GRAY MATTER WITH HEPATIC CIRRHOSIS; Mitochondrial DNA depletion syndrome 4A (Alpers type); NEURONAL DEGENERATION OF CHILDHOOD WITH LIVER DISEASE, PROGRESSIVE; Alpers-Huttenlocher Syndrome (AHS); Mitochondrial DNA Depletion Syndrome 4A. Identifiers: Orphanet 726, MedGen C0205710, MONDO:0008758, OMIM 203700.

Submissions (3):

Labcorp Genetics (formerly Invitae), Labcorp
Classification: Uncertain significance for Progressive sclerosing poliodystrophy. Last evaluated: 2024-10-22. Review status: criteria provided, single submitter. Criteria: Invitae Variant Classification Sherloc (09022015). Collection method: clinical testing. Allele origin: germline.
Comment: This variant, c.116_118del, results in the deletion of 1 amino acid(s) of the POLG protein (p.Gln39del), but otherwise preserves the integrity of the reading frame. This variant is present in population databases (rs763663907, gnomAD 0.01%). This variant has not been reported in the literature in individuals affected with POLG-related conditions. ClinVar contains an entry for this variant (Variation ID: 1421087). Experimental studies and prediction algorithms are not available or were not evaluated, and the functional significance of this variant is currently unknown. In summary, the available evidence is currently insufficient to determine the role of this variant in disease. Therefore, it has been classified as a Variant of Uncertain Significance.

Blueprint Genetics
Classification: Uncertain significance. Last evaluated: 2023-11-17. Review status: criteria provided, single submitter. Criteria: ACMG Guidelines, 2015. Collection method: clinical testing. Allele origin: germline.

PreventionGenetics, part of Exact Sciences
Classification: Uncertain significance for POLG-related condition. Last evaluated: 2024-02-21. Review status: no assertion criteria provided. Collection method: clinical testing. Allele origin: germline. Not counted in ClinVar's aggregate classification.
Comment: The POLG c.116_118delAGC variant is predicted to result in an in-frame deletion (p.Gln39del). To our knowledge, this variant has not been reported in the literature. This variant is reported in 0.018% of alleles in individuals of East Asian descent in gnomAD. At this time, the clinical significance of this variant is uncertain due to the absence of conclusive functional and genetic evidence.

NM_002693.3(POLG):c.116_118del (p.Gln39del)

Genes: POLG (DNA polymerase gamma, catalytic subunit; minus strand), POLGARF (POLG alternative reading frame; minus strand). Cytogenetic location: 15q26.1.
Variant type: Deletion.
Coding change: c.116_118del on transcript NM_002693.3 (MANE Select); coding-DNA positions 116 to 118, 3 bases deleted (AGC; older notation c.116_118delAGC).
Protein change: p.Gln39del; deletes glutamine 39.
Molecular consequence: inframe deletion.
Genome position (GRCh38, 1-based): chr15:89,333,637-89,333,639, GCT deleted on the plus strand (AGC on the coding strand, the reverse complement: POLG is on the minus strand); deleting any 3 consecutive bases within chr15:89,333,637-89,333,641 gives the same sequence; the c. name uses the placement nearest the transcript's 3' end. VCF-style (leftmost placement, unchanged base first): chr15-89333636-CGCT-C. GRCh37 (hg19) VCF-style: chr15-89876867-CGCT-C.
Other names: c.116_118del, p.Gln39del (NM_001126131.2); c.116_118delAGC (NM_002693.2); short protein forms Q39del.
Identifiers: ClinVar variation 1421087 (VCV001421087.9), dbSNP rs763663907, ClinGen allele CA7725205.
Genomic context (GRCh38, chr15:89,333,636, plus strand): 5'-TGCGGCTGCTGAGGCTGCTGTTGCTGCTGCTGCTGCTGCTGCTGCTGCTGCTGCCGCCGC[CGCT>C]GCCCGTCGCTGGGGTCGGACGCGGGGACGGAGCTGGAGACCCAGCGCCCCGGAGCTGGAA-3'